The following is an entry in ClinVar:

ClinVar aggregate classification (germline): Likely pathogenic (1 of 4 stars; one submission).

Conditions:
Mucopolysaccharidosis, MPS-III-C (MPS3C). Also called: MPS IIIC (Sanfilippo Syndrome Type C); MUCOPOLYSACCHARIDOSIS, TYPE IIIC; Mucopolysaccharidosis type IIIC (Sanfilippo C); mucopolysaccharidosis type 3C; SANFILIPPO SYNDROME C; MPS III C. Identifiers: Orphanet 581, Orphanet 79271, MedGen C0086649, MONDO:0009657, OMIM 252930.
Retinitis pigmentosa 73 (RP73). Identifiers: Orphanet 791, MedGen C4225287, MONDO:0014687, OMIM 616544.

Submission:

Labcorp Genetics (formerly Invitae), Labcorp
Classification: Likely pathogenic for Retinitis pigmentosa 73; Mucopolysaccharidosis, MPS-III-C. Last evaluated: 2021-10-29. Review status: criteria provided, single submitter. Criteria: Invitae Variant Classification Sherloc (09022015). Collection method: clinical testing. Allele origin: germline.
Comment: This variant results in a copy number gain of the genomic region encompassing exon(s) 9 of the HGSNAT gene. While the exact position of this variant cannot be determined from the data, sub-genic copy number gains are generally in tandem (PMID: 25640679). This variant is predicted to be out-of-frame, and may result in an absent or disrupted protein product. Loss-of-function variants in HGSNAT are known to be pathogenic (PMID: 17033958, 19479962). This variant has not been reported in the literature in individuals affected with HGSNAT-related conditions. In summary, the currently available evidence indicates that the variant is pathogenic, but additional data are needed to prove that conclusively. Therefore, this variant has been classified as Likely Pathogenic.

Literature cited by the submitters: PubMed 25640679; PubMed 17033958; PubMed 19479962.

NC_000008.10:g.(?_43028846)_(43028896_?)dup

Gene: HGSNAT (heparan-alpha-glucosaminide N-acetyltransferase; plus strand). Cytogenetic location: 8p11.21.
Variant type: Duplication.
Identifiers: ClinVar variation 1066020 (VCV001066020.5).